The following is an entry in ClinVar:

NM_001370259.2(MEN1):c.266T>A (p.Leu89His)

Gene: MEN1 (menin 1; minus strand). Cytogenetic location: 11q13.1.
Variant type: single nucleotide variant.
Coding change: c.266T>A on transcript NM_001370259.2 (MANE Select); coding-DNA position 266, T replaced by A.
Protein change: p.Leu89His; replaces leucine 89 with histidine.
Molecular consequence: missense variant.
Genome position (GRCh38, 1-based): chr11:64,809,844, A>T on the plus strand (T>A on the coding strand, the complement: MEN1 is on the minus strand). VCF-style: chr11-64809844-A-T. GRCh37 (hg19) VCF-style: chr11-64577316-A-T.
Other names: c.266T>A, p.Leu89His (NM_000244.4, NM_001370251.2, NM_001370260.2 and 20 more transcripts); short protein forms L89H.
Identifiers: ClinVar variation 1794539 (VCV001794539.2), dbSNP rs2136187120, ClinGen allele CA381187524.

ClinVar aggregate classification (germline): Uncertain significance (1 of 4 stars; one submission).

Conditions:
Hereditary cancer-predisposing syndrome. Also called: Tumor predisposition; Hereditary Cancer Syndrome; Neoplastic Syndromes, Hereditary; Hereditary neoplastic syndrome. Identifiers: Orphanet 140162, MedGen C0027672, MeSH D009386, MONDO:0015356.

Submission:

Ambry Genetics
Classification: Uncertain significance for Hereditary cancer-predisposing syndrome. Last evaluated: 2022-03-19. Review status: criteria provided, single submitter. Criteria: Ambry Variant Classification Scheme 2023. Collection method: clinical testing. Allele origin: germline.
Comment: The p.L89H variant (also known as c.266T>A), located in coding exon 1 of the MEN1 gene, results from a T to A substitution at nucleotide position 266. The leucine at codon 89 is replaced by histidine, an amino acid with similar properties. This amino acid position is conserved. In addition, this alteration is predicted to be deleterious by in silico analysis. Since supporting evidence is limited at this time, the clinical significance of this alteration remains unclear.